The following is an entry in ClinVar:

ClinVar aggregate classification (germline): Benign/Likely benign. Review status: criteria provided, multiple submitters, no conflicts (2 of 4 stars). 4 submissions from 4 submitters: Benign (1); Likely benign (3). Last evaluated 2025-04-29.

Conditions:
Hypercholesterolemia, autosomal dominant, 3 (FHCL3). Also called: PCSK9-Related Familial Hypercholesterolemia, Autosomal Dominant; Familial hypercholesterolemia 3; Familial Hypercholesterolemia, Autosomal Dominant, 3. Identifiers: MedGen C1863551, MONDO:0011369, OMIM 603776.

Allele frequency attached by ClinVar (database versions not stated): gnomAD 0.00005 and 0.00006; gnomAD exomes 0.00005; ExAC 0.00006; TOPMed 0.00006; ESP Exome Variant Server 0.00008.
gnomAD v4.1: 45 of 1,613,540 alleles (0.0028%); highest among the groups gnomAD compares: African/African-American, 0.016%; no homozygotes.

Submissions (4):

Labcorp Genetics (formerly Invitae), Labcorp
Classification: Likely benign for Hypercholesterolemia, autosomal dominant, 3. Last evaluated: 2025-04-29. Review status: criteria provided, single submitter. Criteria: Invitae Variant Classification Sherloc (09022015). Collection method: clinical testing. Allele origin: germline.

Blueprint Genetics
Classification: Likely benign. Last evaluated: 2024-10-09. Review status: criteria provided, single submitter. Criteria: ACMG Guidelines, 2015. Collection method: clinical testing. Allele origin: germline.

Women's Health and Genetics/Laboratory Corporation of America, LabCorp
Classification: Benign. Last evaluated: 2023-08-07. Review status: criteria provided, single submitter. Criteria: LabCorp Variant Classification Summary - May 2015. Collection method: clinical testing. Allele origin: germline.

GeneDx
Classification: Likely benign. Last evaluated: 2017-11-15. Review status: criteria provided, single submitter. Criteria: GeneDx Variant Classification (06012015). Collection method: clinical testing. Allele origin: germline. Affected: yes.
Comment: This variant is considered likely benign or benign based on one or more of the following criteria: it is a conservative change, it occurs at a poorly conserved position in the protein, it is predicted to be benign by multiple in silico algorithms, and/or has population frequency not consistent with disease.

NM_174936.4(PCSK9):c.657+8C>T

Gene: PCSK9 (proprotein convertase subtilisin/kexin type 9; plus strand). Cytogenetic location: 1p32.3.
Variant type: single nucleotide variant.
Coding change: c.657+8C>T on transcript NM_174936.4 (MANE Select); 8 bases into the intron after coding-DNA position 657, C replaced by T.
Molecular consequence: intron variant.
Genome position (GRCh38, 1-based): chr1:55,052,419, C>T. VCF-style: chr1-55052419-C-T. GRCh37 (hg19) VCF-style: chr1-55518092-C-T.
Identifiers: ClinVar variation 513309 (VCV000513309.11), dbSNP rs376502208, ClinGen allele CA043738.